The following is an entry in ClinVar:

ClinVar aggregate classification (germline): Uncertain significance (1 of 4 stars; one submission).

Conditions:
Ehlers-Danlos syndrome, dermatosparaxis type. Also called: Ehlers-Danlos syndrome, type VII, autosomal recessive; EDS VIIC; Dermatosparaxis. Identifiers: Orphanet 1901, MedGen C2700425, MONDO:0009161, OMIM 225410.

Allele frequency attached by ClinVar (database versions not stated): TOPMed below 0.00001; gnomAD 0.00001.

Submission:

Labcorp Genetics (formerly Invitae), Labcorp
Classification: Uncertain significance for Ehlers-Danlos syndrome, dermatosparaxis type. Last evaluated: 2022-08-16. Review status: criteria provided, single submitter. Criteria: Invitae Variant Classification Sherloc (09022015). Collection method: clinical testing. Allele origin: germline.
Comment: In summary, the available evidence is currently insufficient to determine the role of this variant in disease. Therefore, it has been classified as a Variant of Uncertain Significance. Algorithms developed to predict the effect of missense changes on protein structure and function (SIFT, PolyPhen-2, Align-GVGD) all suggest that this variant is likely to be disruptive. ClinVar contains an entry for this variant (Variation ID: 1431711). This variant has not been reported in the literature in individuals affected with ADAMTS2-related conditions. This variant is not present in population databases (gnomAD no frequency). This sequence change replaces proline, which is neutral and non-polar, with leucine, which is neutral and non-polar, at codon 616 of the ADAMTS2 protein (p.Pro616Leu).

NM_014244.5(ADAMTS2):c.1847C>T (p.Pro616Leu)

Gene: ADAMTS2 (ADAM metallopeptidase with thrombospondin type 1 motif 2; minus strand). Cytogenetic location: 5q35.3.
Variant type: single nucleotide variant.
Coding change: c.1847C>T on transcript NM_014244.5 (MANE Select); coding-DNA position 1847, C replaced by T.
Protein change: p.Pro616Leu; replaces proline 616 with leucine.
Molecular consequence: missense variant.
Genome position (GRCh38, 1-based): chr5:179,137,873, G>A on the plus strand (C>T on the coding strand, the complement: ADAMTS2 is on the minus strand). VCF-style: chr5-179137873-G-A. GRCh37 (hg19) VCF-style: chr5-178564874-G-A.
Other names: short protein forms P616L.
Identifiers: ClinVar variation 1431711 (VCV001431711.11), dbSNP rs1218050137, ClinGen allele CA362426730.